The following is an entry in ClinVar:

NM_004186.5(SEMA3F):c.1281T>C (p.Tyr427=)

Gene: SEMA3F (semaphorin 3F; plus strand). Cytogenetic location: 3p21.31.
Variant type: single nucleotide variant.
Coding change: c.1281T>C on transcript NM_004186.5 (MANE Select); coding-DNA position 1281, T replaced by C.
Protein change: p.Tyr427=; no amino-acid change (tyrosine 427 retained).
Molecular consequence: synonymous variant.
Genome position (GRCh38, 1-based): chr3:50,184,639, T>C. VCF-style: chr3-50184639-T-C. GRCh37 (hg19) VCF-style: chr3-50222072-T-C.
Other names: c.984T>C, p.Tyr328= (NM_001318798.2); c.1188T>C, p.Tyr396= (NM_001318800.2).
Identifiers: ClinVar variation 3354937 (VCV003354937.1).

ClinVar aggregate classification (germline): Likely benign (0 of 4 stars; one submission).

Conditions:
SEMA3F-related disorder. Also called: SEMA3F-related condition.

gnomAD v4.1: 5 of 1,613,988 alleles (0.00031%); highest among the groups gnomAD compares: Non-Finnish European, 0.00042%; no homozygotes.

Submission:

PreventionGenetics, part of Exact Sciences
Classification: Likely benign for SEMA3F-related condition. Last evaluated: 2023-06-22. Review status: no assertion criteria provided. Collection method: clinical testing. Allele origin: germline.
Comment: This variant is classified as likely benign based on ACMG/AMP sequence variant interpretation guidelines (Richards et al. 2015 PMID: 25741868, with internal and published modifications).